The following is an entry in ClinVar:

ClinVar aggregate classification (germline): Uncertain significance (1 of 4 stars; one submission).

Conditions:
Complex cortical dysplasia with other brain malformations 6. Identifiers: MedGen C4014283, MONDO:0014341, OMIM 615771.

Submission:

Broad Center for Mendelian Genomics, Broad Institute of MIT and Harvard
Classification: Uncertain significance for Complex cortical dysplasia with other brain malformations 6. Last evaluated: 2023-05-02. Review status: criteria provided, single submitter. Criteria: ACMG Guidelines, 2015. Collection method: curation. Allele origin: germline. Inheritance: Autosomal dominant inheritance.
Comment: The p.Thr285GlnfsTer15 variant in TUBB has not been previously reported in individuals with complex cortical dysplasia with other brain malformations 6. This variant was absent from large population studies. This variant is predicted to cause a frameshift, which alters the protein‚Äôs amino acid sequence beginning at position 285 and leads to a premature termination codon 15 amino acids downstream. This termination codon occurs within the last exon and is more likely to escape nonsense mediated decay (NMD) and result in a truncated protein. It is of note that loss of function of TUBB in an autosomal dominant disease has not yet been established based on the criteria laid out in Tayoun et al., 2018 (PMID: 30192042). In summary, the clinical significance of this variant is uncertain. ACMG/AMP Criteria applied: PM2_Supporting (Richards 2015).

NM_178014.4(TUBB):c.852del (p.Thr285fs)

Gene: TUBB (tubulin beta class I; plus strand). Cytogenetic location: 6p21.33.
Variant type: Deletion.
Coding change: c.852del on transcript NM_178014.4 (MANE Select); coding-DNA position 852, one base deleted (C; older notation c.852delC).
Protein change: p.Thr285fs; shifts the reading frame from threonine 285.
Molecular consequence: frameshift variant. On other transcripts: intron variant (1).
Genome position (GRCh38, 1-based): chr6:30,723,914, C deleted. VCF-style (leftmost placement, unchanged base first): chr6-30723913-TC-T. GRCh37 (hg19) VCF-style: chr6-30691690-TC-T.
Other names: NR_120608.2:n.433-25del; c.912del, p.Thr305fs (NM_001293212.2); c.720del, p.Thr241fs (NM_001293214.2); c.636del, p.Thr213fs (NM_001293215.2, NM_001293216.2); c.370-124del (NM_001293213.2); short protein forms T213fs, T241fs, T285fs, T305fs.
Identifiers: ClinVar variation 2500912 (VCV002500912.1), dbSNP rs2536608845, ClinGen allele CA2579753967.